The following is an entry in ClinVar:

ClinVar aggregate classification (germline): Uncertain significance (1 of 4 stars; one submission).

Conditions:
Nemaline myopathy 10 (NEM10). Identifiers: MedGen C4015360, MONDO:0014513, OMIM 616165.

Allele frequency attached by ClinVar (database versions not stated): gnomAD exomes 0.00001 and 0.00004; ExAC 0.00004; gnomAD 0.00012 and 0.00013; 1000 Genomes Project 30x 0.00016; ESP Exome Variant Server 0.00017; TOPMed 0.00018; 1000 Genomes Project 0.00020.
gnomAD v4.1: 32 of 1,590,128 alleles (0.002%); highest among the groups gnomAD compares: African/African-American, 0.039%; no homozygotes.

Submission:

Labcorp Genetics (formerly Invitae), Labcorp
Classification: Uncertain significance for Nemaline myopathy 10. Last evaluated: 2021-10-10. Review status: criteria provided, single submitter. Criteria: Invitae Variant Classification Sherloc (09022015). Collection method: clinical testing. Allele origin: germline.
Comment: This sequence change falls in intron 1 of the LMOD3 gene. It does not directly change the encoded amino acid sequence of the LMOD3 protein. It affects a nucleotide within the consensus splice site of the intron. This variant is present in population databases (rs377200088, ExAC 0.06%). This variant has not been reported in the literature in individuals affected with LMOD3-related conditions. Variants that disrupt the consensus splice site are a relatively common cause of aberrant splicing (PMID: 17576681, 9536098). Algorithms developed to predict the effect of sequence changes on RNA splicing suggest that this variant is not likely to affect RNA splicing. In summary, the available evidence is currently insufficient to determine the role of this variant in disease. Therefore, it has been classified as a Variant of Uncertain Significance.

Literature cited by the submitters: PubMed 17576681; PubMed 9536098.

NM_198271.5(LMOD3):c.295-3T>C

Gene: LMOD3 (leiomodin 3; minus strand). Cytogenetic location: 3p14.1.
Variant type: single nucleotide variant.
Coding change: c.295-3T>C on transcript NM_198271.5 (MANE Select); 3 bases into the intron before coding-DNA position 295, T replaced by C.
Molecular consequence: intron variant.
Genome position (GRCh38, 1-based): chr3:69,120,063, A>G on the plus strand (T>C on the coding strand, the complement: LMOD3 is on the minus strand). VCF-style: chr3-69120063-A-G. GRCh37 (hg19) VCF-style: chr3-69169214-A-G.
Other names: c.295-3T>C (NM_001304418.3).
Identifiers: ClinVar variation 652224 (VCV000652224.5), dbSNP rs377200088, ClinGen allele CA2489017.